The following is an entry in ClinVar:

ClinVar aggregate classification (germline): Uncertain significance (1 of 4 stars; one submission).

Conditions:
Myopathy, proximal, and ophthalmoplegia (CMYO6). Also called: INCLUSION BODY MYOPATHY 3, AUTOSOMAL DOMINANT; CONGENITAL MYOPATHY 6 WITH OPHTHALMOPLEGIA; MYOPATHY WITH CONGENITAL JOINT CONTRACTURES, OPHTHALMOPLEGIA, AND RIMMED VACUOLES. Identifiers: Orphanet 363677, Orphanet 79091, MedGen C1854106, MONDO:0011577, OMIM 605637.

Allele frequency attached by ClinVar (database versions not stated): gnomAD 0.00001; gnomAD exomes 0.00001 and 0.00004; TOPMed 0.00001; ExAC 0.00003.
gnomAD v4.1: 25 of 1,614,072 alleles (0.0015%); highest among the groups gnomAD compares: South Asian, 0.0055%; no homozygotes.

Submission:

Labcorp Genetics (formerly Invitae), Labcorp
Classification: Uncertain significance for Myopathy, proximal, and ophthalmoplegia. Last evaluated: 2024-01-18. Review status: criteria provided, single submitter. Criteria: Invitae Variant Classification Sherloc (09022015). Collection method: clinical testing. Allele origin: germline.
Comment: This sequence change replaces arginine, which is basic and polar, with cysteine, which is neutral and slightly polar, at codon 1142 of the MYH2 protein (p.Arg1142Cys). This variant is present in population databases (rs752906702, gnomAD 0.01%). This variant has not been reported in the literature in individuals affected with MYH2-related conditions. ClinVar contains an entry for this variant (Variation ID: 850462). Advanced modeling of protein sequence and biophysical properties (such as structural, functional, and spatial information, amino acid conservation, physicochemical variation, residue mobility, and thermodynamic stability) performed at Invitae indicates that this missense variant is expected to disrupt MYH2 protein function with a positive predictive value of 80%. In summary, the available evidence is currently insufficient to determine the role of this variant in disease. Therefore, it has been classified as a Variant of Uncertain Significance.

NM_017534.6(MYH2):c.3424C>T (p.Arg1142Cys)

Genes: MYHAS (myosin heavy chain gene cluster antisense RNA; plus strand), MYH2 (myosin heavy chain 2; minus strand). Cytogenetic location: 17p13.1.
Variant type: single nucleotide variant.
Coding change: c.3424C>T on transcript NM_017534.6 (MANE Select); coding-DNA position 3424, C replaced by T.
Protein change: p.Arg1142Cys; replaces arginine 1142 with cysteine.
Molecular consequence: missense variant.
Genome position (GRCh38, 1-based): chr17:10,529,010, G>A on the plus strand (C>T on the coding strand, the complement: MYH2 is on the minus strand). VCF-style: chr17-10529010-G-A. GRCh37 (hg19) VCF-style: chr17-10432327-G-A.
Other names: c.3424C>T, p.Arg1142Cys (NM_001100112.2); short protein forms R1142C.
Identifiers: ClinVar variation 850462 (VCV000850462.6), dbSNP rs752906702, ClinGen allele CA8390900.